The following is an entry in ClinVar:

NM_001999.4(FBN2):c.4745A>C (p.Lys1582Thr)

Gene: FBN2 (fibrillin 2; minus strand). Cytogenetic location: 5q23.3.
Variant type: single nucleotide variant.
Coding change: c.4745A>C on transcript NM_001999.4 (MANE Select); coding-DNA position 4745, A replaced by C.
Protein change: p.Lys1582Thr; replaces lysine 1582 with threonine.
Molecular consequence: missense variant.
Genome position (GRCh38, 1-based): chr5:128,312,768, T>G on the plus strand (A>C on the coding strand, the complement: FBN2 is on the minus strand). VCF-style: chr5-128312768-T-G. GRCh37 (hg19) VCF-style: chr5-127648460-T-G.
Other names: short protein forms K1582T.
Identifiers: ClinVar variation 3638816 (VCV003638816.2).
Genomic context (GRCh38, chr5:128,312,768, plus strand): 5'-CTGACGCCCACCCCGATCTCGGTGTTGCAAGACAGACTCCCATCTCCTCGAGGTCCAAAC[T>G]TCAGGTAGCAGTTGCCCACACGGTTGTCTGCAGAGCAACAAAGGAGCTTACAGTTGCCCT-3'
Protein context (NP_001990.2, residues 1572-1592): VDNRVGNCYL[Lys1582Thr]FGPRGDGSLS

ClinVar aggregate classification (germline): Uncertain significance (1 of 4 stars; one submission).

Conditions:
Congenital contractural arachnodactyly (CCA). Also called: BEALS SYNDROME; Arthrogryposis, distal, type 9; Beals-Hecht syndrome. Identifiers: Orphanet 115, MedGen C0220668, MONDO:0007363, OMIM 121050.

Submission:

Labcorp Genetics (formerly Invitae), Labcorp
Classification: Uncertain significance for Congenital contractural arachnodactyly. Last evaluated: 2024-02-16. Review status: criteria provided, single submitter. Criteria: Invitae Variant Classification Sherloc (09022015). Collection method: clinical testing. Allele origin: germline.
Comment: This sequence change replaces lysine, which is basic and polar, with threonine, which is neutral and polar, at codon 1582 of the FBN2 protein (p.Lys1582Thr). This variant is not present in population databases (gnomAD no frequency). This missense change has been observed in individual(s) with clinical features of FBN2-related conditions (Invitae). Advanced modeling of protein sequence and biophysical properties (such as structural, functional, and spatial information, amino acid conservation, physicochemical variation, residue mobility, and thermodynamic stability) performed at Invitae indicates that this missense variant is not expected to disrupt FBN2 protein function with a negative predictive value of 80%. In summary, the available evidence is currently insufficient to determine the role of this variant in disease. Therefore, it has been classified as a Variant of Uncertain Significance.